The following is an entry in ClinVar:

ClinVar aggregate classification (germline): Uncertain significance (1 of 4 stars; one submission).

Conditions:
Glycogen storage disease due to muscle beta-enolase deficiency (GSD13). Also called: ENOLASE 3 DEFICIENCY; ENOLASE-BETA DEFICIENCY; GSD XIII; Glycogen Storage Disease Type XIII. Identifiers: Orphanet 99849, MedGen C2752027, MONDO:0013046, OMIM 612932.

Allele frequency attached by ClinVar (database versions not stated): gnomAD 0.00001; TOPMed 0.00002.
gnomAD v4.1: 25 of 1,614,082 alleles (0.0015%); highest among the groups gnomAD compares: East Asian, 0.011%; no homozygotes.

Submission:

Labcorp Genetics (formerly Invitae), Labcorp
Classification: Uncertain significance for Glycogen storage disease due to muscle beta-enolase deficiency. Last evaluated: 2022-05-22. Review status: criteria provided, single submitter. Criteria: Invitae Variant Classification Sherloc (09022015). Collection method: clinical testing. Allele origin: germline.
Comment: This sequence change replaces glutamic acid, which is acidic and polar, with lysine, which is basic and polar, at codon 414 of the ENO3 protein (p.Glu414Lys). This variant is present in population databases (rs773760593, gnomAD 0.03%). This variant has not been reported in the literature in individuals affected with ENO3-related conditions. Algorithms developed to predict the effect of missense changes on protein structure and function are either unavailable or do not agree on the potential impact of this missense change (SIFT: "Deleterious"; PolyPhen-2: "Probably Damaging"; Align-GVGD: "Class C0"). In summary, the available evidence is currently insufficient to determine the role of this variant in disease. Therefore, it has been classified as a Variant of Uncertain Significance.

NM_053013.4(ENO3):c.1240G>A (p.Glu414Lys)

Gene: ENO3 (enolase 3; plus strand). Cytogenetic location: 17p13.2.
Variant type: single nucleotide variant.
Coding change: c.1240G>A on transcript NM_053013.4 (MANE Select); coding-DNA position 1240, G replaced by A.
Protein change: p.Glu414Lys; replaces glutamic acid 414 with lysine.
Molecular consequence: missense variant.
Genome position (GRCh38, 1-based): chr17:4,956,982, G>A. VCF-style: chr17-4956982-G-A. GRCh37 (hg19) VCF-style: chr17-4860277-G-A.
Other names: c.1111G>A, p.Glu371Lys (NM_001193503.2); c.1240G>A, p.Glu414Lys (NM_001374523.1, NM_001976.5); c.1267G>A, p.Glu423Lys (NM_001374524.1); short protein forms E371K, E414K, E423K.
Identifiers: ClinVar variation 2145169 (VCV002145169.2), dbSNP rs773760593, ClinGen allele CA8316626.
Genomic context (GRCh38, chr17:4,956,982, plus strand): 5'-GTGCTGGAGGCTGTTAGGTTGGAAGTTCAGCAGCCCTAACCTTGCCTGCATTCTAGGATC[G>A]AGGAGGCTCTTGGGGACAAGGCAATCTTTGCTGGACGCAAGTTCCGTAACCCGAAGGCCA-3'
Protein context (NP_443739.3, residues 404-424): LAKYNQLMRI[Glu414Lys]EALGDKAIFA